The following is an entry in ClinVar:

NM_001044385.3(TMEM237):c.553C>A (p.Arg185=)

Gene: TMEM237 (transmembrane protein 237; minus strand). Cytogenetic location: 2q33.1.
Variant type: single nucleotide variant.
Coding change: c.553C>A on transcript NM_001044385.3 (MANE Select); coding-DNA position 553, C replaced by A.
Protein change: p.Arg185=; no amino-acid change (arginine 185 retained).
Molecular consequence: synonymous variant.
Genome position (GRCh38, 1-based): chr2:201,632,051, G>T on the plus strand (C>A on the coding strand, the complement: TMEM237 is on the minus strand). VCF-style: chr2-201632051-G-T. GRCh37 (hg19) VCF-style: chr2-202496774-G-T.
Other names: c.529C>A, p.Arg177= (NM_152388.4).
Identifiers: ClinVar variation 1349062 (VCV001349062.3), dbSNP rs754056989, ClinGen allele CA430668371.

ClinVar aggregate classification (germline): Uncertain significance (1 of 4 stars; one submission).

Conditions:
Joubert syndrome 14 (JBTS14). Identifiers: MedGen C3280766, MONDO:0013745, OMIM 614424.

Allele frequency attached by ClinVar (database versions not stated): gnomAD 0.00001.
gnomAD v4.1: 11 of 1,613,442 alleles (0.00068%); highest among the groups gnomAD compares: Non-Finnish European, 0.00093%; no homozygotes.

Submission:

Labcorp Genetics (formerly Invitae), Labcorp
Classification: Uncertain significance for Joubert syndrome 14. Last evaluated: 2022-06-13. Review status: criteria provided, single submitter. Criteria: Invitae Variant Classification Sherloc (09022015). Collection method: clinical testing. Allele origin: germline.
Comment: This sequence change affects codon 185 of the TMEM237 mRNA. It is a 'silent' change, meaning that it does not change the encoded amino acid sequence of the TMEM237 protein. It affects a nucleotide within the consensus splice site. This variant is not present in population databases (gnomAD no frequency). This variant has not been reported in the literature in individuals affected with TMEM237-related conditions. Algorithms developed to predict the effect of sequence changes on RNA splicing suggest that this variant is not likely to affect RNA splicing. In summary, the available evidence is currently insufficient to determine the role of this variant in disease. Therefore, it has been classified as a Variant of Uncertain Significance.